The following is an entry in ClinVar:

NM_001040108.2(MLH3):c.3985G>A (p.Glu1329Lys)

Gene: MLH3 (mutL homolog 3; minus strand). Cytogenetic location: 14q24.3.
Variant type: single nucleotide variant.
Coding change: c.3985G>A on transcript NM_001040108.2 (MANE Select); coding-DNA position 3985, G replaced by A.
Protein change: p.Glu1329Lys; replaces glutamic acid 1329 with lysine.
Molecular consequence: missense variant.
Genome position (GRCh38, 1-based): chr14:75,030,545, C>T on the plus strand (G>A on the coding strand, the complement: MLH3 is on the minus strand). VCF-style: chr14-75030545-C-T. GRCh37 (hg19) VCF-style: chr14-75497248-C-T.
Other names: c.3913G>A, p.Glu1305Lys (NM_014381.3); short protein forms E1329K, E1305K.
Identifiers: ClinVar variation 4055471 (VCV004055471.1).
Genomic context (GRCh38, chr14:75,030,545, plus strand): 5'-CAAAATATGAGGTTACCATCACTCAGCAATTTCCTTAACATCTGCAGCTGTGTCTTACCT[C>T]CACAATACTCTTGGTCACAGTAGATCTTCCTCTCCGAAGTTCATTGGCTTCTCTTTCCAC-3'
Protein context (NP_001035197.1, residues 1319-1339): GRSTVTKSIV[Glu1329Lys]EFIREQLELL

ClinVar aggregate classification (germline): Uncertain significance (1 of 4 stars; one submission).

Submission:

Ambry Genetics
Classification: Uncertain significance. Last evaluated: 2025-04-03. Review status: criteria provided, single submitter. Criteria: Ambry Variant Classification Scheme 2023. Collection method: clinical testing. Allele origin: germline.
Comment: The p.E1329K variant (also known as c.3985G>A), located in coding exon 8 of the MLH3 gene, results from a G to A substitution at nucleotide position 3985. The glutamic acid at codon 1329 is replaced by lysine, an amino acid with similar properties. This amino acid position is conserved. In addition, the in silico prediction for this alteration is inconclusive. Based on the available evidence, the clinical significance of this variant remains unclear.